The following is an entry in ClinVar:

ClinVar aggregate classification (germline): Uncertain significance. Review status: criteria provided, multiple submitters, no conflicts (2 of 4 stars). 2 submissions from 2 submitters: Uncertain significance (2). Last evaluated 2024-04-23.

Conditions:
Inborn genetic diseases. Identifiers: MedGen C0950123, MeSH D030342.

Allele frequency attached by ClinVar (database versions not stated): TOPMed below 0.00001.
gnomAD v4.1: 5 of 1,613,258 alleles (0.00031%); highest among the groups gnomAD compares: Non-Finnish European, 0.00025%; no homozygotes.

Submissions (2):

Ambry Genetics
Classification: Uncertain significance for Inborn genetic diseases. Last evaluated: 2024-04-23. Review status: criteria provided, single submitter. Criteria: Ambry Variant Classification Scheme 2023. Collection method: clinical testing. Allele origin: germline.

Labcorp Genetics (formerly Invitae), Labcorp
Classification: Uncertain significance. Last evaluated: 2022-11-08. Review status: criteria provided, single submitter. Criteria: Invitae Variant Classification Sherloc (09022015). Collection method: clinical testing. Allele origin: germline.
Comment: In summary, the available evidence is currently insufficient to determine the role of this variant in disease. Therefore, it has been classified as a Variant of Uncertain Significance. Algorithms developed to predict the effect of missense changes on protein structure and function (SIFT, PolyPhen-2, Align-GVGD) all suggest that this variant is likely to be tolerated. This variant has not been reported in the literature in individuals affected with SLC22A12-related conditions. This variant is not present in population databases (gnomAD no frequency). This sequence change replaces threonine, which is neutral and polar, with lysine, which is basic and polar, at codon 21 of the SLC22A12 protein (p.Thr21Lys).

NM_144585.4(SLC22A12):c.62C>A (p.Thr21Lys)

Gene: SLC22A12 (solute carrier family 22 member 12; plus strand). Cytogenetic location: 11q13.1.
Variant type: single nucleotide variant.
Coding change: c.62C>A on transcript NM_144585.4 (MANE Select); coding-DNA position 62, C replaced by A.
Protein change: p.Thr21Lys; replaces threonine 21 with lysine.
Molecular consequence: missense variant. On other transcripts: intron variant (1).
Genome position (GRCh38, 1-based): chr11:64,591,618, C>A. VCF-style: chr11-64591618-C-A. GRCh37 (hg19) VCF-style: chr11-64359090-C-A.
Other names: c.62C>A, p.Thr21Lys (NM_001276326.2, NM_001276327.2); c.-406-41C>A (NM_153378.3); c.62C>A (NM_144585.2); short protein forms T21K.
Identifiers: ClinVar variation 1956505 (VCV001956505.6), dbSNP rs1488921348, ClinGen allele CA381114295.
Genomic context (GRCh38, chr11:64,591,618, plus strand): 5'-TGGCATTTTCTGAACTCCTGGACCTCGTGGGTGGCCTGGGCAGGTTCCAGGTTCTCCAGA[C>A]GATGGCTCTGATGGTCTCCATCATGTGGCTGTGTACCCAGAGCATGCTGGAGAACTTCTC-3'
Protein context (NP_653186.2, residues 11-31): GGLGRFQVLQ[Thr21Lys]MALMVSIMWL